The following is an entry in ClinVar:

ClinVar aggregate classification (germline): Uncertain significance (1 of 4 stars; one submission).

Conditions:
Psoriasis 2. Identifiers: MedGen C1864497, MONDO:0011269, OMIM 602723.
Pityriasis rubra pilaris (PRP). Also called: Pityriasis rubra pilaris--familial type. Identifiers: Orphanet 2897, MedGen C0032027, MONDO:0100017, OMIM 173200, MONDO:0008251.

Allele frequency attached by ClinVar (database versions not stated): gnomAD exomes below 0.00001; ExAC 0.00001.
gnomAD v4.1: 15 of 1,613,856 alleles (0.00093%); highest among the groups gnomAD compares: Non-Finnish European, 0.0012%; no homozygotes.

Submission:

Labcorp Genetics (formerly Invitae), Labcorp
Classification: Uncertain significance for Pityriasis rubra pilaris; Psoriasis 2. Last evaluated: 2022-01-14. Review status: criteria provided, single submitter. Criteria: Invitae Variant Classification Sherloc (09022015). Collection method: clinical testing. Allele origin: germline.
Comment: In summary, the available evidence is currently insufficient to determine the role of this variant in disease. Therefore, it has been classified as a Variant of Uncertain Significance. Algorithms developed to predict the effect of missense changes on protein structure and function (SIFT, PolyPhen-2, Align-GVGD) all suggest that this variant is likely to be tolerated. This variant has not been reported in the literature in individuals affected with CARD14-related conditions. This variant is present in population databases (rs761312685, gnomAD 0.0009%). This sequence change replaces glutamine, which is neutral and polar, with arginine, which is basic and polar, at codon 666 of the CARD14 protein (p.Gln666Arg).

NM_001366385.1(CARD14):c.1997A>G (p.Gln666Arg)

Genes: CARD14 (caspase recruitment domain family member 14; plus strand), SGSH (N-sulfoglucosamine sulfohydrolase; minus strand). Cytogenetic location: 17q25.3.
Variant type: single nucleotide variant.
Coding change: c.1997A>G on transcript NM_001366385.1 (MANE Select); coding-DNA position 1997, A replaced by G.
Protein change: p.Gln666Arg; replaces glutamine 666 with arginine.
Molecular consequence: missense variant. On other transcripts: non-coding transcript variant (1).
Genome position (GRCh38, 1-based): chr17:80,202,198, A>G. VCF-style: chr17-80202198-A-G. GRCh37 (hg19) VCF-style: chr17-78175997-A-G.
Other names: c.1997A>G, p.Gln666Arg (NM_001257970.1, NM_024110.4); short protein forms Q666R.
Identifiers: ClinVar variation 1503177 (VCV001503177.8), dbSNP rs761312685, ClinGen allele CA8817159.